The following is an entry in ClinVar:

ClinVar aggregate classification (germline): Likely benign. Review status: criteria provided, multiple submitters, no conflicts (2 of 4 stars). 2 submissions from 2 submitters: Likely benign (2). Last evaluated 2026-05-12.

Conditions:
Neurofibromatosis, type 1 (NF1). Also called: VON RECKLINGHAUSEN DISEASE; NEUROFIBROMATOSIS, TYPE I, SOMATIC; Neurofibromatosis, type I; Peripheral type neurofibromatosis. Identifiers: Orphanet 636, MedGen C0027831, MONDO:0018975, OMIM 162200. Disease mechanism: loss of function.

Submissions (2):

Myriad Genetics, Inc.
Classification: Likely benign for Neurofibromatosis, type 1. Last evaluated: 2026-05-12. Review status: criteria provided, single submitter. Criteria: Myriad Autosomal Dominant, Autosomal Recessive and X-Linked Classification Criteria (2023). Collection method: clinical testing. Allele origin: unknown.
Comment: This variant is considered likely benign. This variant is intronic and is not expected to impact mRNA splicing.

Labcorp Genetics (formerly Invitae), Labcorp
Classification: Likely benign for Neurofibromatosis, type 1. Last evaluated: 2023-08-28. Review status: criteria provided, single submitter. Criteria: Invitae Variant Classification Sherloc (09022015). Collection method: clinical testing. Allele origin: germline.

NM_001042492.3(NF1):c.2851-17A>T

Gene: NF1 (neurofibromin 1; plus strand). Cytogenetic location: 17q11.2.
Variant type: single nucleotide variant.
Coding change: c.2851-17A>T on transcript NM_001042492.3 (MANE Select); 17 bases into the intron before coding-DNA position 2851, A replaced by T.
Molecular consequence: intron variant.
Genome position (GRCh38, 1-based): chr17:31,229,818, A>T. VCF-style: chr17-31229818-A-T. GRCh37 (hg19) VCF-style: chr17-29556836-A-T.
Other names: c.2851-17A>T (NM_000267.4).
Identifiers: ClinVar variation 2918393 (VCV002918393.4), dbSNP rs1170642352, ClinGen allele CA2733226493.